The following is an entry in ClinVar:

ClinVar aggregate classification (germline): Uncertain significance (1 of 4 stars; one submission).

Submission:

Labcorp Genetics (formerly Invitae), Labcorp
Classification: Uncertain significance. Last evaluated: 2022-10-24. Review status: criteria provided, single submitter. Criteria: Invitae Variant Classification Sherloc (09022015). Collection method: clinical testing. Allele origin: germline.
Comment: In summary, the available evidence is currently insufficient to determine the role of this variant in disease. Therefore, it has been classified as a Variant of Uncertain Significance. Algorithms developed to predict the effect of missense changes on protein structure and function (SIFT, PolyPhen-2, Align-GVGD) all suggest that this variant is likely to be tolerated. ClinVar contains an entry for this variant (Variation ID: 1039398). This variant has not been reported in the literature in individuals affected with PRPF31-related conditions. This sequence change replaces leucine, which is neutral and non-polar, with proline, which is neutral and non-polar, at codon 251 of the PRPF31 protein (p.Leu251Pro). This variant is not present in population databases (gnomAD no frequency).

NM_015629.4(PRPF31):c.752T>C (p.Leu251Pro)

Gene: PRPF31 (pre-mRNA processing factor 31; plus strand). Cytogenetic location: 19q13.42.
Variant type: single nucleotide variant.
Coding change: c.752T>C on transcript NM_015629.4 (MANE Select); coding-DNA position 752, T replaced by C.
Protein change: p.Leu251Pro; replaces leucine 251 with proline.
Molecular consequence: missense variant.
Genome position (GRCh38, 1-based): chr19:54,124,553, T>C. VCF-style: chr19-54124553-T-C. GRCh37 (hg19) VCF-style: chr19-54627932-T-C.
Other names: short protein forms L251P.
Identifiers: ClinVar variation 1039398 (VCV001039398.9), dbSNP rs2073873787, ClinGen allele CA407751175.